The following is an entry in ClinVar:

NM_002185.5(IL7R):c.51C>T (p.Val17=)

Gene: IL7R (interleukin 7 receptor; plus strand). Cytogenetic location: 5p13.2.
Variant type: single nucleotide variant.
Coding change: c.51C>T on transcript NM_002185.5 (MANE Select); coding-DNA position 51, C replaced by T.
Protein change: p.Val17=; no amino-acid change (valine 17 retained).
Molecular consequence: synonymous variant. On other transcripts: non-coding transcript variant (1).
Genome position (GRCh38, 1-based): chr5:35,857,028, C>T. VCF-style: chr5-35857028-C-T. GRCh37 (hg19) VCF-style: chr5-35857130-C-T.
Identifiers: ClinVar variation 533084 (VCV000533084.14), dbSNP rs138981776, ClinGen allele CA3231820.

ClinVar aggregate classification (germline): Likely benign. Review status: criteria provided, multiple submitters, no conflicts (2 of 4 stars). 3 submissions from 3 submitters: Likely benign (3). Last evaluated 2026-01-09.

Conditions:
IL7R-related disorder. Also called: IL7R-related condition.
Immunodeficiency 104. Also called: Severe combined immunodeficiency, autosomal recessive, T cell-negative, B cell-positive, NK cell-positive; IMMUNODEFICIENCY 104, SEVERE COMBINED; SCID, AUTOSOMAL RECESSIVE, T CELL-NEGATIVE, B CELL-POSITIVE, NK CELL-POSITIVE; Severe Combined Immune Deficiency, Autosomal Recessive, TCell -Negative, B Cell-Positive, NK Cell-Positive, IL7R-Related. Identifiers: MedGen C5676890, MONDO:0012163, OMIM 608971.

Allele frequency attached by ClinVar (database versions not stated): TOPMed 0.00007; ESP Exome Variant Server 0.00015.
gnomAD v4.1: 222 of 1,609,420 alleles (0.014%); highest among the groups gnomAD compares: Non-Finnish European, 0.018%; no homozygotes.

Submissions (3):

Labcorp Genetics (formerly Invitae), Labcorp
Classification: Likely benign for Immunodeficiency 104. Last evaluated: 2026-01-09. Review status: criteria provided, single submitter. Criteria: Invitae Variant Classification Sherloc (09022015). Collection method: clinical testing. Allele origin: germline.

PreventionGenetics, part of Exact Sciences
Classification: Likely benign for IL7R-related condition. Last evaluated: 2024-11-21. Review status: criteria provided, single submitter. Criteria: ACMG Guidelines, 2015. Collection method: clinical testing. Allele origin: germline.
Comment: This variant is classified as likely benign based on ACMG/AMP sequence variant interpretation guidelines (Richards et al. 2015 PMID: 25741868, with internal and published modifications).

Blueprint Genetics
Classification: Likely benign. Last evaluated: 2024-10-15. Review status: criteria provided, single submitter. Criteria: ACMG Guidelines, 2015. Collection method: clinical testing. Allele origin: germline.